The following is an entry in ClinVar:

NM_052947.4(ALPK2):c.3473C>G (p.Pro1158Arg)

Gene: ALPK2 (alpha kinase 2; minus strand). Cytogenetic location: 18q21.31.
Variant type: single nucleotide variant.
Coding change: c.3473C>G on transcript NM_052947.4 (MANE Select); coding-DNA position 3473, C replaced by G.
Protein change: p.Pro1158Arg; replaces proline 1158 with arginine.
Molecular consequence: missense variant.
Genome position (GRCh38, 1-based): chr18:58,536,714, G>C on the plus strand (C>G on the coding strand, the complement: ALPK2 is on the minus strand). VCF-style: chr18-58536714-G-C. GRCh37 (hg19) VCF-style: chr18-56203946-G-C.
Other names: short protein forms P1158R.
Identifiers: ClinVar variation 3529879 (VCV003529879.1).

ClinVar aggregate classification (germline): Uncertain significance (1 of 4 stars; one submission).

Submission:

Ambry Genetics
Classification: Uncertain significance. Last evaluated: 2024-09-01. Review status: criteria provided, single submitter. Criteria: Ambry Variant Classification Scheme 2023. Collection method: clinical testing. Allele origin: germline.
Comment: The p.P1158R variant (also known as c.3473C>G), located in coding exon 4 of the ALPK2 gene, results from a C to G substitution at nucleotide position 3473. The proline at codon 1158 is replaced by arginine, an amino acid with dissimilar properties. This amino acid position is conserved. In addition, this alteration is predicted to be tolerated by in silico analysis. Based on the available evidence, the clinical significance of this variant remains unclear.